The following is an entry in ClinVar:

NM_007294.4(BRCA1):c.4073A>T (p.Glu1358Val)

Genes: BRCA1 (BRCA1 DNA repair associated; minus strand), LOC126862571 (BRD4-independent group 4 enhancer GRCh37_chr17:41243136-41244335; plus strand). Cytogenetic location: 17q21.31.
Variant type: single nucleotide variant.
Coding change: c.4073A>T on transcript NM_007294.4 (MANE Select); coding-DNA position 4073, A replaced by T.
Protein change: p.Glu1358Val; replaces glutamic acid 1358 with valine.
Molecular consequence: missense variant. On other transcripts: intron variant (135).
Genome position (GRCh38, 1-based): chr17:43,091,458, T>A on the plus strand (A>T on the coding strand, the complement: BRCA1 is on the minus strand). VCF-style: chr17-43091458-T-A. GRCh37 (hg19) VCF-style: chr17-41243475-T-A.
Other names: c.4073A>T, p.Glu1358Val (NM_001407623.1, NM_001407624.1, NM_001407625.1 and 30 more transcripts); c.4070A>T, p.Glu1357Val (NM_001407630.1, NM_001407627.1, NM_001407628.1 and 22 more transcripts); c.3950A>T, p.Glu1317Val (NM_001407939.1, NM_001407863.1, NM_001407919.1 and 19 more transcripts); c.3929A>T, p.Glu1310Val (NM_001407943.1, NM_001407964.1, NM_001407740.1 and 20 more transcripts); c.3932A>T, p.Glu1311Val (NM_001407944.1, NM_001407942.1, NM_001407945.1 and 29 more transcripts); c.3947A>T, p.Glu1316Val (NM_001407941.1, NM_001407940.1, NM_001407649.1 and 11 more transcripts); c.3872A>T, p.Glu1291Val (NM_001407862.1); c.3869A>T, p.Glu1290Val (NM_001407874.1, NM_001407875.1); and 41 more; short protein forms E1190V, E1269V, E1288V, E1310V, E1316V, E1332V, E1355V, E1246V.
Identifiers: ClinVar variation 2814991 (VCV002814991.3), dbSNP rs397507225, ClinGen allele CA10593813.

ClinVar aggregate classification (germline): Uncertain significance (1 of 4 stars; one submission).

Conditions:
Hereditary breast ovarian cancer syndrome. Also called: Hereditary breast and ovarian cancer; BRCA1- and BRCA2-Associated Hereditary Breast and Ovarian Cancer; Hereditary breast and ovarian cancer syndrome; Breast and ovarian cancer; Hereditary breast and ovarian cancer syndrome (HBOC); Hereditary breast and/or ovarian cancer syndrome. Identifiers: Orphanet 145, MedGen C0677776, MeSH D061325, MONDO:0003582. Disease mechanism: loss of function.

Submission:

Labcorp Genetics (formerly Invitae), Labcorp
Classification: Uncertain significance for Hereditary breast ovarian cancer syndrome. Last evaluated: 2022-11-17. Review status: criteria provided, single submitter. Criteria: Invitae Variant Classification Sherloc (09022015). Collection method: clinical testing. Allele origin: germline.
Comment: This sequence change replaces glutamic acid, which is acidic and polar, with valine, which is neutral and non-polar, at codon 1358 of the BRCA1 protein (p.Glu1358Val). This variant is not present in population databases (gnomAD no frequency). This variant has not been reported in the literature in individuals affected with BRCA1-related conditions. Advanced modeling of protein sequence and biophysical properties (such as structural, functional, and spatial information, amino acid conservation, physicochemical variation, residue mobility, and thermodynamic stability) performed at Invitae indicates that this missense variant is not expected to disrupt BRCA1 protein function. In summary, the available evidence is currently insufficient to determine the role of this variant in disease. Therefore, it has been classified as a Variant of Uncertain Significance.